The following is an entry in ClinVar:

NM_001723.7(DST):c.5077G>C (p.Glu1693Gln)

Gene: DST (dystonin; minus strand). Cytogenetic location: 6p12.1.
Variant type: single nucleotide variant.
Coding change: c.5077G>C on transcript NM_001723.7 (MANE Plus Clinical); coding-DNA position 5077, G replaced by C.
Protein change: p.Glu1693Gln; replaces glutamic acid 1693 with glutamine.
Molecular consequence: missense variant. On other transcripts: intron variant (10).
Genome position (GRCh38, 1-based): chr6:56,618,957, C>G on the plus strand (G>C on the coding strand, the complement: DST is on the minus strand). VCF-style: chr6-56618957-C-G. GRCh37 (hg19) VCF-style: chr6-56483755-C-G.
Other names: c.4831-4473G>C (NM_001144769.5); c.4930-4473G>C (NM_001374722.1, NM_001374736.1); c.4957-4473G>C (NM_001374734.1); c.4417-4473G>C (NM_001144770.2); c.4297-4473G>C (NM_001374730.1, NM_001386100.1, NM_183380.4 and 1 more transcripts); c.3319-4473G>C (NM_015548.5); short protein forms E1693Q.
Identifiers: ClinVar variation 3755453 (VCV003755453.2).

ClinVar aggregate classification (germline): Uncertain significance (1 of 4 stars; one submission).

Conditions:
Hereditary sensory and autonomic neuropathy type 6. Also called: HSAN VI; Neuropathy, hereditary sensory and autonomic, type VI. Identifiers: Orphanet 314381, MedGen C3539003, MONDO:0013839, OMIM 614653.
Epidermolysis bullosa simplex 3, localized or generalized intermediate, with BP230 deficiency (EBS3). Also called: Epidermolysis bullosa simplex due to BP230 deficiency; Epidermolysis bullosa simplex, autosomal recessive 2. Identifiers: Orphanet 412181, MedGen C3809470, MONDO:0014180, OMIM 615425.

Submission:

Labcorp Genetics (formerly Invitae), Labcorp
Classification: Uncertain significance for Epidermolysis bullosa simplex 3, localized or generalized intermediate, with BP230 deficiency; Hereditary sensory and autonomic neuropathy type 6. Last evaluated: 2024-05-14. Review status: criteria provided, single submitter. Criteria: Invitae Variant Classification Sherloc (09022015). Collection method: clinical testing. Allele origin: germline.
Comment: This sequence change replaces glutamic acid, which is acidic and polar, with glutamine, which is neutral and polar, at codon 1693 of the DST protein (p.Glu1693Gln). This variant is not present in population databases (gnomAD no frequency). This variant has not been reported in the literature in individuals affected with DST-related conditions. An algorithm developed to predict the effect of missense changes on protein structure and function (PolyPhen-2) suggests that this variant is likely to be tolerated. In summary, the available evidence is currently insufficient to determine the role of this variant in disease. Therefore, it has been classified as a Variant of Uncertain Significance.